The following is an entry in ClinVar:

NM_001277115.2(DNAH11):c.12561T>G (p.Asp4187Glu)

Gene: DNAH11 (dynein axonemal heavy chain 11; plus strand). Cytogenetic location: 7p15.3.
Variant type: single nucleotide variant.
Coding change: c.12561T>G on transcript NM_001277115.2 (MANE Select); coding-DNA position 12561, T replaced by G.
Protein change: p.Asp4187Glu; replaces aspartic acid 4187 with glutamic acid.
Molecular consequence: missense variant.
Genome position (GRCh38, 1-based): chr7:21,892,478, T>G. VCF-style: chr7-21892478-T-G. GRCh37 (hg19) VCF-style: chr7-21932096-T-G.
Other names: short protein forms D4187E.
Identifiers: ClinVar variation 221194 (VCV000221194.50), dbSNP rs148429731, ClinGen allele CA348046.

ClinVar aggregate classification (germline): Benign/Likely benign. Review status: criteria provided, multiple submitters, no conflicts (2 of 4 stars). 7 submissions from 7 submitters: Benign (6); Likely benign (1). Last evaluated 2026-09-01.

Conditions:
Primary ciliary dyskinesia. Also called: Ciliary dyskinesia. Identifiers: Orphanet 244, MedGen C0008780, MONDO:0016575, HP:0012265.
Primary ciliary dyskinesia 7. Also called: CILIARY DYSKINESIA, PRIMARY, 7, WITH OR WITHOUT SITUS INVERSUS. Identifiers: Orphanet 244, MedGen C2678473, MONDO:0012748, OMIM 611884.

Allele frequency attached by ClinVar (database versions not stated): gnomAD exomes 0.00105 and 0.00275; ExAC 0.00345; gnomAD 0.01140 and 0.01214; 1000 Genomes Project 0.01158; 1000 Genomes Project 30x 0.01218; ESP Exome Variant Server 0.01226; TOPMed 0.01254.
gnomAD v4.1: 3,358 of 1,613,852 alleles (0.21%); highest among the groups gnomAD compares: African/African-American, 3.9%; 63 homozygotes.

Submissions (12):

CeGaT Center for Human Genetics Tuebingen
Classification: Benign. Last evaluated: 2026-09-01. Review status: criteria provided, single submitter. Criteria: CeGaT Center For Human Genetics Tuebingen Variant Classification Criteria Version 2. Collection method: clinical testing. Allele origin: germline. Affected: yes. Observed: 3 variant alleles.
Comment: DNAH11: BS1, BS2

Labcorp Genetics (formerly Invitae), Labcorp
Classification: Benign for Primary ciliary dyskinesia. Last evaluated: 2026-02-01. Review status: criteria provided, single submitter. Criteria: Invitae Variant Classification Sherloc (09022015). Collection method: clinical testing. Allele origin: germline.

ARUP Laboratories, Molecular Genetics and Genomics, ARUP Laboratories
Classification: Benign for Primary ciliary dyskinesia 7. Last evaluated: 2025-01-30. Review status: criteria provided, single submitter. Criteria: ARUP Molecular Germline Variant Investigation Process 2024. Collection method: clinical testing. Allele origin: germline.

Center for Pediatric Genomic Medicine, Children's Mercy Hospital and Clinics
Classification: Likely benign. Last evaluated: 2017-04-27. Review status: criteria provided, single submitter. Criteria: ACMG Guidelines, 2015. Collection method: clinical testing. Allele origin: germline.

Ambry Genetics
Classification: Benign for Primary ciliary dyskinesia. Last evaluated: 2016-10-14. Review status: criteria provided, single submitter. Criteria: Ambry Variant Classification Scheme 2023. Collection method: clinical testing. Allele origin: germline.

Laboratory for Molecular Medicine, Mass General Brigham Personalized Medicine
Classification: Benign. Last evaluated: 2013-02-21. Review status: criteria provided, single submitter. Criteria: LMM Criteria. Collection method: clinical testing. Allele origin: germline. Observed: 1 variant allele.
Comment: Asp4187Glu in exon 77 of DNAH11: This variant is not expected to have clinical s ignificance because it has been identified in 3.9% (149/3868) of African America n chromosomes from a broad population by the NHLBI Exome Sequencing Project (dbSNP rs148429731).

PreventionGenetics, part of Exact Sciences
Classification: Benign. Review status: criteria provided, single submitter. Criteria: ACMG Guidelines, 2015. Collection method: clinical testing. Allele origin: germline.

Dr. Peter K. Rogan Lab, Western University
No classification provided (evidence only). Condition: Lung cancer. Review status: no classification provided. Collection method: in vitro. Allele origin: not applicable. Functional consequence: retained intron. Not counted in ClinVar's aggregate classification.

Dr. Peter K. Rogan Lab, Western University
No classification provided (evidence only). Condition: Familial cancer of breast. Review status: no classification provided. Collection method: in vitro. Allele origin: not applicable. Functional consequence: retained intron. Not counted in ClinVar's aggregate classification.

Dr. Peter K. Rogan Lab, Western University
No classification provided (evidence only). Condition: Thyroid cancer, nonmedullary, 1. Review status: no classification provided. Collection method: in vitro. Allele origin: not applicable. Functional consequence: retained intron. Not counted in ClinVar's aggregate classification.

Dr. Peter K. Rogan Lab, Western University
No classification provided (evidence only). Condition: Uterine corpus endometrial carcinoma. Review status: no classification provided. Collection method: in vitro. Allele origin: not applicable. Functional consequence: retained intron. Not counted in ClinVar's aggregate classification.

Dr. Peter K. Rogan Lab, Western University
No classification provided (evidence only). Condition: Uterine corpus endometrial carcinoma. Review status: no classification provided. Collection method: in vitro. Allele origin: not applicable. Functional consequence: skipped exon. Not counted in ClinVar's aggregate classification.